The following is an entry in ClinVar:

NM_000310.4(PPT1):c.363-19A>G

Gene: PPT1 (palmitoyl-protein thioesterase 1; minus strand). Cytogenetic location: 1p34.2.
Variant type: single nucleotide variant.
Coding change: c.363-19A>G on transcript NM_000310.4 (MANE Select); 19 bases into the intron before coding-DNA position 363, A replaced by G.
Molecular consequence: intron variant.
Genome position (GRCh38, 1-based): chr1:40,091,418, T>C on the plus strand (A>G on the coding strand, the complement: PPT1 is on the minus strand). VCF-style: chr1-40091418-T-C. GRCh37 (hg19) VCF-style: chr1-40557090-T-C.
Other names: c.125-1906A>G (NM_001142604.2); c.363-19A>G (NM_001363695.2).
Identifiers: ClinVar variation 138798 (VCV000138798.9), dbSNP rs587781124, ClinGen allele CA292907.

ClinVar aggregate classification (germline): Benign/Likely benign. Review status: criteria provided, multiple submitters, no conflicts (2 of 4 stars). 3 submissions from 3 submitters: Benign (1); Likely benign (2). Last evaluated 2025-11-17.

Conditions:
Neuronal ceroid lipofuscinosis 1 (CLN1). Also called: CEROID LIPOFUSCINOSIS, NEURONAL, 1, VARIABLE AGE AT ONSET; PPT1-Related Neuronal Ceroid-Lipofuscinosis. Identifiers: Orphanet 228329, MedGen C1850451, MONDO:0009744, OMIM 256730.

Allele frequency attached by ClinVar (database versions not stated): gnomAD exomes 0.00002 and 0.00003; ExAC 0.00003; TOPMed 0.00003; gnomAD 0.00004.
gnomAD v4.1: 55 of 1,594,496 alleles (0.0034%); highest among the groups gnomAD compares: Non-Finnish European, 0.0045%; no homozygotes.

Submissions (3):

Labcorp Genetics (formerly Invitae), Labcorp
Classification: Likely benign for Neuronal ceroid lipofuscinosis 1. Last evaluated: 2025-11-17. Review status: criteria provided, single submitter. Criteria: Invitae Variant Classification Sherloc (09022015). Collection method: clinical testing. Allele origin: germline.

Blueprint Genetics
Classification: Likely benign. Last evaluated: 2023-02-27. Review status: criteria provided, single submitter. Criteria: ACMG Guidelines, 2015. Collection method: clinical testing. Allele origin: germline.

GeneDx
Classification: Benign. Last evaluated: 2013-10-01. Review status: criteria provided, single submitter. Criteria: GeneDx Variant Classification (06012015). Collection method: clinical testing. Allele origin: germline. Affected: yes.
Comment: This variant is considered likely benign or benign based on one or more of the following criteria: it is a conservative change, it occurs at a poorly conserved position in the protein, it is predicted to be benign by multiple in silico algorithms, and/or has population frequency not consistent with disease.